The following is an entry in ClinVar:

ClinVar aggregate classification (germline): Uncertain significance (1 of 4 stars; one submission).

Submission:

Ambry Genetics
Classification: Uncertain significance. Last evaluated: 2022-03-16. Review status: criteria provided, single submitter. Criteria: Ambry Variant Classification Scheme 2023. Collection method: clinical testing. Allele origin: germline.
Comment: The p.V69I variant (also known as c.205G>A), located in coding exon 2 of the IDH1 gene, results from a G to A substitution at nucleotide position 205. The valine at codon 69 is replaced by isoleucine, an amino acid with highly similar properties. This amino acid position is conserved. In addition, the in silico prediction for this alteration is inconclusive. Since supporting evidence is limited at this time, the clinical significance of this alteration remains unclear.

NM_005896.4(IDH1):c.205G>A (p.Val69Ile)

Gene: IDH1 (isocitrate dehydrogenase (NADP(+)) 1; minus strand). Cytogenetic location: 2q34.
Variant type: single nucleotide variant.
Coding change: c.205G>A on transcript NM_005896.4 (MANE Select); coding-DNA position 205, G replaced by A.
Protein change: p.Val69Ile; replaces valine 69 with isoleucine.
Molecular consequence: missense variant.
Genome position (GRCh38, 1-based): chr2:208,248,578, C>T on the plus strand (G>A on the coding strand, the complement: IDH1 is on the minus strand). VCF-style: chr2-208248578-C-T. GRCh37 (hg19) VCF-style: chr2-209113302-C-T.
Other names: c.205G>A, p.Val69Ile (NM_001282386.1, NM_001282387.1); short protein forms V69I.
Identifiers: ClinVar variation 1785203 (VCV001785203.2), dbSNP rs2124863681, ClinGen allele CA350102342.